The following is an entry in ClinVar:

NM_006904.7(PRKDC):c.3446A>G (p.Lys1149Arg)

Gene: PRKDC (protein kinase, DNA-activated, catalytic subunit; minus strand). Cytogenetic location: 8q11.21.
Variant type: single nucleotide variant.
Coding change: c.3446A>G on transcript NM_006904.7 (MANE Select); coding-DNA position 3446, A replaced by G.
Protein change: p.Lys1149Arg; replaces lysine 1149 with arginine.
Molecular consequence: missense variant.
Genome position (GRCh38, 1-based): chr8:47,898,488, T>C on the plus strand (A>G on the coding strand, the complement: PRKDC is on the minus strand). VCF-style: chr8-47898488-T-C. GRCh37 (hg19) VCF-style: chr8-48811048-T-C.
Other names: c.3446A>G, p.Lys1149Arg (NM_001081640.2); short protein forms K1149R.
Identifiers: ClinVar variation 1731509 (VCV001731509.2), dbSNP rs2089622388, ClinGen allele CA371154385.

ClinVar aggregate classification (germline): Uncertain significance (1 of 4 stars; one submission).

Allele frequency attached by ClinVar (database versions not stated): TOPMed below 0.00001.

Submission:

Ambry Genetics
Classification: Uncertain significance. Last evaluated: 2022-05-02. Review status: criteria provided, single submitter. Criteria: Ambry Variant Classification Scheme 2023. Collection method: clinical testing. Allele origin: germline.
Comment: The p.K1149R variant (also known as c.3446A>G), located in coding exon 29 of the PRKDC gene, results from an A to G substitution at nucleotide position 3446. The lysine at codon 1149 is replaced by arginine, an amino acid with highly similar properties. This amino acid position is conserved. In addition, this alteration is predicted to be tolerated by in silico analysis. Since supporting evidence is limited at this time, the clinical significance of this alteration remains unclear.